The following is an entry in ClinVar:

NC_000012.11:g.(?_122277634)_(122287716_?)del

Gene: HPD (4-hydroxyphenylpyruvate dioxygenase; minus strand). Cytogenetic location: 12q24.31.
Variant type: Deletion.
Identifiers: ClinVar variation 3244252 (VCV003244252.1).

ClinVar aggregate classification (germline): Pathogenic (1 of 4 stars; one submission).

Conditions:
Tyrosinemia type III. Also called: 4-HYDROXYPHENYLPYRUVIC ACID OXIDASE DEFICIENCY; Tyrosinemia type 3; 4-alpha hydroxyphenylpyruvic acid oxidase deficiency; 4-alpha hydroxyphenylpyruvate dioxygenase deficiency; 4-Hydroxyphenylpyruvate dioxygenase deficiency. Identifiers: Orphanet 69723, MedGen C0268623, MONDO:0010162, OMIM 276710.
Hawkinsinuria. Identifiers: Orphanet 2118, MedGen C2931042, MONDO:0007700, OMIM 140350, HP:0034457.

Submission:

Labcorp Genetics (formerly Invitae), Labcorp
Classification: Pathogenic for Tyrosinemia type III; Hawkinsinuria. Last evaluated: 2023-01-11. Review status: criteria provided, single submitter. Criteria: Invitae Variant Classification Sherloc (09022015). Collection method: clinical testing. Allele origin: unknown.
Comment: For these reasons, this variant has been classified as Pathogenic. This variant disrupts a region of the HPD protein in which other variant(s) (p.Tyr160Cys) have been determined to be pathogenic (PMID: 10942115, 28649543). This suggests that this is a clinically significant region of the protein, and that variants that disrupt it are likely to be disease-causing. This variant has not been reported in the literature in individuals affected with HPD-related conditions. This variant is a gross deletion of the genomic region encompassing exon(s) 8-14 of the HPD gene, which includes the termination codon. This deletion extends beyond the assayed region for this gene and therefore may encompass additional genes. While this deletion is not anticipated to lead to nonsense mediated decay, it is expected to alter mRNA translation or result in a truncated protein product.

Literature cited by the submitters: PubMed 10942115; PubMed 28649543.